The following is an entry in ClinVar:

ClinVar aggregate classification (germline): Likely benign. Review status: criteria provided, single submitter (1 of 4 stars). 2 submissions from 2 submitters: Likely benign (1). 1 of the submissions does not count toward it. Last evaluated 2018-04-23.

Conditions:
PLXNA3-related disorder. Also called: PLXNA3-related condition.

Allele frequency attached by ClinVar (database versions not stated): gnomAD exomes 0.00006 and 0.00014; ExAC 0.00007; gnomAD 0.00016 and 0.00017; TOPMed 0.00018; ESP Exome Variant Server 0.00019.

Submissions (2):

Labcorp Genetics (formerly Invitae), Labcorp
Classification: Likely benign. Last evaluated: 2018-04-23. Review status: criteria provided, single submitter. Criteria: Invitae Variant Classification Sherloc (09022015). Collection method: clinical testing. Allele origin: germline.

PreventionGenetics, part of Exact Sciences
Classification: Likely benign for PLXNA3-related condition. Last evaluated: 2023-06-07. Review status: no assertion criteria provided. Collection method: clinical testing. Allele origin: germline. Not counted in ClinVar's aggregate classification.
Comment: This variant is classified as likely benign based on ACMG/AMP sequence variant interpretation guidelines (Richards et al. 2015 PMID: 25741868, with internal and published modifications).

NM_017514.5(PLXNA3):c.402G>A (p.Pro134=)

Gene: PLXNA3 (plexin A3; plus strand). Cytogenetic location: Xq28.
Variant type: single nucleotide variant.
Coding change: c.402G>A on transcript NM_017514.5 (MANE Select); coding-DNA position 402, G replaced by A.
Protein change: p.Pro134=; no amino-acid change (proline 134 retained).
Molecular consequence: synonymous variant.
Genome position (GRCh38, 1-based): chrX:154,460,585, G>A. VCF-style: chrX-154460585-G-A. GRCh37 (hg19) VCF-style: chrX-153688925-G-A.
Identifiers: ClinVar variation 741242 (VCV000741242.5), dbSNP rs369549579, ClinGen allele CA10563679.